The following is an entry in ClinVar:

NM_001698.3(AUH):c.506-172dup

Gene: AUH (AU RNA binding methylglutaconyl-CoA hydratase; minus strand). Cytogenetic location: 9q22.31.
Variant type: Duplication.
Coding change: c.506-172dup on transcript NM_001698.3 (MANE Select); 172 bases into the intron before coding-DNA position 506, one base duplicated (T; older notation c.506-172dupT).
Molecular consequence: intron variant.
Genome position (GRCh38, 1-based): chr9:91,298,245, A duplicated on the plus strand (T on the coding strand, the reverse complement: AUH is on the minus strand); the first of 4 consecutive A bases (chr9:91,298,245-91,298,248); duplicating any one gives the same sequence. VCF-style (leftmost placement, unchanged base first): chr9-91298244-C-CA. GRCh37 (hg19) VCF-style: chr9-94060526-C-CA.
Other names: c.419-172dup (NM_001306190.2); c.179-172dup (NM_001351433.2, NM_001351431.2, NM_001351432.2).
Identifiers: ClinVar variation 683359 (VCV000683359.1), dbSNP rs11370660, ClinGen allele CA195909218.

ClinVar aggregate classification (germline): Benign (1 of 4 stars; one submission).

Submission:

GeneDx
Classification: Benign. Last evaluated: 2018-06-14. Review status: criteria provided, single submitter. Criteria: GeneDx Variant Classification (06012015). Collection method: clinical testing. Allele origin: germline. Affected: yes.
Comment: This variant is considered likely benign or benign based on one or more of the following criteria: it is a conservative change, it occurs at a poorly conserved position in the protein, it is predicted to be benign by multiple in silico algorithms, and/or has population frequency not consistent with disease.